The following is an entry in ClinVar:

NM_001042492.3(NF1):c.730G>A (p.Glu244Lys)

Gene: NF1 (neurofibromin 1; plus strand). Cytogenetic location: 17q11.2.
Variant type: single nucleotide variant.
Coding change: c.730G>A on transcript NM_001042492.3 (MANE Select); coding-DNA position 730, G replaced by A.
Protein change: p.Glu244Lys; replaces glutamic acid 244 with lysine.
Molecular consequence: missense variant.
Genome position (GRCh38, 1-based): chr17:31,181,785, G>A. VCF-style: chr17-31181785-G-A. GRCh37 (hg19) VCF-style: chr17-29508803-G-A.
Other names: c.730G>A, p.Glu244Lys (NM_000267.4, NM_001128147.3); short protein forms E244K.
Identifiers: ClinVar variation 571661 (VCV000571661.50), dbSNP rs1567826188, ClinGen allele CA398990254.

ClinVar aggregate classification (germline): Pathogenic/Likely pathogenic. Review status: criteria provided, multiple submitters, no conflicts (2 of 4 stars). 5 submissions from 5 submitters: Pathogenic (4); Likely pathogenic (1). Last evaluated 2026-06-30.

Conditions:
Hereditary cancer-predisposing syndrome. Also called: Tumor predisposition; Hereditary Cancer Syndrome; Hereditary neoplastic syndrome; Neoplastic Syndromes, Hereditary. Identifiers: Orphanet 140162, MedGen C0027672, MeSH D009386, MONDO:0015356.
Cardiovascular phenotype. Identifiers: MedGen CN230736.
Neurofibromatosis, type 1 (NF1). Also called: Neurofibromatosis, type I; VON RECKLINGHAUSEN DISEASE; NEUROFIBROMATOSIS, TYPE I, SOMATIC; Peripheral type neurofibromatosis. Identifiers: Orphanet 636, MedGen C0027831, MONDO:0018975, OMIM 162200. Disease mechanism: loss of function.

Submissions (5):

Ambry Genetics
Classification: Pathogenic for Cardiovascular phenotype; Hereditary cancer-predisposing syndrome. Last evaluated: 2026-06-30. Review status: criteria provided, single submitter. Criteria: Ambry Variant Classification Scheme 2023. Collection method: clinical testing. Allele origin: germline.
Comment: The c.730G>A pathogenic mutation (also known as p.E244K), located in coding exon 7 of the NF1 gene, results from a G to A substitution at nucleotide position 730. The amino acid change results in glutamic acid to lysine at codon 244, an amino acid with similar properties. However, this change occurs in the last base pair of coding exon 7, which makes it likely to have some effect on normal mRNA splicing. In silico splice site analysis predicts that this alteration may weaken the native splice donor site. RNA studies have demonstrated that this variant results in abnormal splicing in the set of samples tested (Martorana D et al. Eur J Med Genet, 2023 Nov;66:104847; Pros E et al. Eur J Hum Genet, 2010 May;18:614-7; Ambry internal data). This variant was determined to be de novo in at least one individual with features consistent neurofibromatosis type 1 (Martorana D et al. Eur J Med Genet, 2023 Nov;66:104847; Habulieti X et al. Sci China Life Sci, 2021 Dec;64:2206-2209; Pros E et al. Eur J Hum Genet, 2010 May;18:614-7). Other variant(s) impacting the same donor site (c.730+1G>C) have been shown to have a similar impact on splicing in individual(s) with features consistent with neurofibromatosis type 1 (Valero MC et al. J Mol Diagn, 2011 Mar;13:113-22; Yao R et al. Genes (Basel), 2019 Oct;10:). This variant is considered to be rare based on population cohorts in the Genome Aggregation Database (gnomAD). Based on the supporting evidence, this variant is interpreted as a disease-causing mutation.

Labcorp Genetics (formerly Invitae), Labcorp
Classification: Pathogenic for Neurofibromatosis, type 1. Last evaluated: 2025-02-12. Review status: criteria provided, single submitter. Criteria: Invitae Variant Classification Sherloc (09022015). Collection method: clinical testing. Allele origin: germline.
Comment: This sequence change replaces glutamic acid, which is acidic and polar, with lysine, which is basic and polar, at codon 244 of the NF1 protein (p.Glu244Lys). RNA analysis indicates that this missense change induces altered splicing and may result in an absent or altered protein product. This variant is not present in population databases (gnomAD no frequency). This missense change has been observed in individual(s) with clinical features of neurofibromatosis type I (PMID: 18546366, 33876461, 33999308; internal data). In at least one individual the variant was observed to be de novo. ClinVar contains an entry for this variant (Variation ID: 571661). An algorithm developed to predict the effect of missense changes on protein structure and function (PolyPhen-2) suggests that this variant is likely to be tolerated. Variants that disrupt the consensus splice site are a relatively common cause of aberrant splicing (PMID: 17576681, 9536098). Studies have shown that this missense change results in skipping of exon 7 (also known as exon 5), and produces a non-functional protein and/or introduces a premature termination codon (PMID: 18546366, 33999308). For these reasons, this variant has been classified as Pathogenic.

Quest Diagnostics Nichols Institute San Juan Capistrano
Classification: Likely pathogenic. Last evaluated: 2023-03-15. Review status: criteria provided, single submitter. Criteria: Quest Diagnostics criteria. Collection method: clinical testing. Allele origin: unknown.
Comment: This variant has not been reported in large, multi-ethnic general populations. In the published literature, the variant has been reported in an individuals with neurofibromatosis 1 (NF1) (PMID: 18546366 (2008), 33999308 (2021)). Published splicing studies have shown that this variant results in aberrant NF1 splicing and causes truncated NF1 protein product (PMID: 18546366 (2018)). The variant has also been shown to result in reduced NF1 gene expression levels (PMID: 33999308 (2021)). Based on the available information, this variant is classified as likely pathogenic.

Medical Genetics, University of Parma
Classification: Pathogenic for Neurofibromatosis, type 1. Last evaluated: 2022-08-17. Review status: criteria provided, single submitter. Criteria: ACMG Guidelines, 2015. Collection method: clinical testing. Allele origin: germline. Inheritance: Autosomal dominant inheritance. Affected: yes.

CeGaT Center for Human Genetics Tuebingen
Classification: Pathogenic. Last evaluated: 2018-04-01. Review status: criteria provided, single submitter. Criteria: CeGaT Center For Human Genetics Tuebingen Variant Classification Criteria Version 2. Collection method: clinical testing. Allele origin: germline. Affected: yes. Observed: 1 variant allele.

Literature cited by the submitters: PubMed 19935827 (cited by Ambry Genetics and Quest Diagnostics Nichols Institute San Juan Capistrano); PubMed 33999308 (cited by 3 submitters); PubMed 37751797 (cited by Ambry Genetics); PubMed 18546366 (cited by Labcorp Genetics (formerly Invitae), Labcorp and Quest Diagnostics Nichols Institute San Juan Capistrano); PubMed 33876461 (cited by Labcorp Genetics (formerly Invitae), Labcorp); PubMed 17576681 (cited by Labcorp Genetics (formerly Invitae), Labcorp); PubMed 9536098 (cited by Labcorp Genetics (formerly Invitae), Labcorp); PubMed 29673180 (cited by Quest Diagnostics Nichols Institute San Juan Capistrano).